The following is an entry in ClinVar:

ClinVar aggregate classification (germline): Uncertain significance (1 of 4 stars; one submission).

Allele frequency attached by ClinVar (database versions not stated): gnomAD exomes below 0.00001; TOPMed below 0.00001; ESP Exome Variant Server 0.00008.
gnomAD v4.1: 1 of 1,613,718 alleles (0.000062%); highest among the groups gnomAD compares: African/African-American, 0.0013%; no homozygotes.

Submission:

Labcorp Genetics (formerly Invitae), Labcorp
Classification: Uncertain significance. Last evaluated: 2024-12-02. Review status: criteria provided, single submitter. Criteria: Invitae Variant Classification Sherloc (09022015). Collection method: clinical testing. Allele origin: germline.
Comment: This sequence change replaces aspartic acid, which is acidic and polar, with asparagine, which is neutral and polar, at codon 2097 of the CDH23 protein (p.Asp2097Asn). The frequency data for this variant in the population databases is considered unreliable, as metrics indicate poor data quality at this position in the gnomAD database. This variant has not been reported in the literature in individuals affected with CDH23-related conditions. ClinVar contains an entry for this variant (Variation ID: 2065821). Invitae Evidence Modeling of protein sequence and biophysical properties (such as structural, functional, and spatial information, amino acid conservation, physicochemical variation, residue mobility, and thermodynamic stability) has been performed for this missense variant. However, the output from this modeling did not meet the statistical confidence thresholds required to predict the impact of this variant on CDH23 protein function. In summary, the available evidence is currently insufficient to determine the role of this variant in disease. Therefore, it has been classified as a Variant of Uncertain Significance.

NM_022124.6(CDH23):c.6289G>A (p.Asp2097Asn)

Gene: CDH23 (cadherin related 23; plus strand). Cytogenetic location: 10q22.1.
Variant type: single nucleotide variant.
Coding change: c.6289G>A on transcript NM_022124.6 (MANE Select); coding-DNA position 6289, G replaced by A.
Protein change: p.Asp2097Asn; replaces aspartic acid 2097 with asparagine.
Molecular consequence: missense variant.
Genome position (GRCh38, 1-based): chr10:71,793,217, G>A. VCF-style: chr10-71793217-G-A. GRCh37 (hg19) VCF-style: chr10-73552974-G-A.
Other names: short protein forms D2097N.
Identifiers: ClinVar variation 2065821 (VCV002065821.4), dbSNP rs373656370, ClinGen allele CA209465957.
Genomic context (GRCh38, chr10:71,793,217, plus strand): 5'-CTACTCCCTTTTCCCTCTCCAACAGGATTCTCAGTCCTTCAAGTCACAGCCACAGATGAG[G>A]ACAGTGGCCTCAATGGGGAGCTGGTCTACCGAATAGAAGCTGGGGCTCAGGACCGCTTCC-3'
Protein context (NP_071407.4, residues 2087-2107): SVLQVTATDE[Asp2097Asn]SGLNGELVYR